The following is an entry in ClinVar:

ClinVar aggregate classification (germline): Benign/Likely benign. Review status: criteria provided, multiple submitters, no conflicts (2 of 4 stars). 3 submissions from 3 submitters: Benign (1); Likely benign (1). 1 of the submissions does not count toward it. Last evaluated 2026-09-01.

Conditions:
KCNK4-related disorder. Also called: KCNK4-related condition.

Allele frequency attached by ClinVar (database versions not stated): 1000 Genomes Project 0.00040; 1000 Genomes Project 30x 0.00062; TOPMed 0.00116; ESP Exome Variant Server 0.00135; gnomAD 0.00242 and 0.00249.
gnomAD v4.1: 2,996 of 1,607,216 alleles (0.19%); highest among the groups gnomAD compares: Non-Finnish European, 0.18%; 19 homozygotes.

Submissions (3):

CeGaT Center for Human Genetics Tuebingen
Classification: Likely benign. Last evaluated: 2026-09-01. Review status: criteria provided, single submitter. Criteria: CeGaT Center For Human Genetics Tuebingen Variant Classification Criteria Version 2. Collection method: clinical testing. Allele origin: germline. Affected: yes. Observed: 38 variant alleles.
Comment: KCNK4: BS2

Labcorp Genetics (formerly Invitae), Labcorp
Classification: Benign. Last evaluated: 2026-02-02. Review status: criteria provided, single submitter. Criteria: Invitae Variant Classification Sherloc (09022015). Collection method: clinical testing. Allele origin: germline.

PreventionGenetics, part of Exact Sciences
Classification: Benign for KCNK4-related condition. Last evaluated: 2019-07-24. Review status: no assertion criteria provided. Collection method: clinical testing. Allele origin: germline. Not counted in ClinVar's aggregate classification.
Comment: This variant is classified as benign based on ACMG/AMP sequence variant interpretation guidelines (Richards et al. 2015 PMID: 25741868, with internal and published modifications).

NM_033310.3(KCNK4):c.1094C>T (p.Pro365Leu)

Genes: KCNK4 (potassium two pore domain channel subfamily K member 4; plus strand), KCNK4-CATSPERZ (KCNK4-CATSPERZ readthrough (NMD candidate); plus strand). Cytogenetic location: 11q13.1.
Variant type: single nucleotide variant.
Coding change: c.1094C>T on transcript NM_033310.3 (MANE Select); coding-DNA position 1094, C replaced by T.
Protein change: p.Pro365Leu; replaces proline 365 with leucine.
Molecular consequence: missense variant. On other transcripts: non-coding transcript variant (3).
Genome position (GRCh38, 1-based): chr11:64,299,638, C>T. VCF-style: chr11-64299638-C-T. GRCh37 (hg19) VCF-style: chr11-64067110-C-T.
Other names: c.1094C>T, p.Pro365Leu (NM_001317090.2); c.1094C>T (NM_033310.2); short protein forms P365L.
Identifiers: ClinVar variation 1570699 (VCV001570699.39), dbSNP rs201234773, ClinGen allele CA6073252.